The following is an entry in ClinVar:

NM_004958.4(MTOR):c.997C>T (p.Leu333=)

Gene: MTOR (mechanistic target of rapamycin kinase; minus strand). Cytogenetic location: 1p36.22.
Variant type: single nucleotide variant.
Coding change: c.997C>T on transcript NM_004958.4 (MANE Select); coding-DNA position 997, C replaced by T.
Protein change: p.Leu333=; no amino-acid change (leucine 333 retained).
Molecular consequence: synonymous variant. On other transcripts: 5 prime UTR variant (1).
Genome position (GRCh38, 1-based): chr1:11,247,938, G>A on the plus strand (C>T on the coding strand, the complement: MTOR is on the minus strand). VCF-style: chr1-11247938-G-A. GRCh37 (hg19) VCF-style: chr1-11307995-G-A.
Other names: NM_004958.3:c.997C>T; c.997C>T, p.Leu333= (NM_001386500.1); c.-143C>T (NM_001386501.1).
Identifiers: ClinVar variation 1296991 (VCV001296991.5), dbSNP rs1288590431, ClinGen allele CA416041964.

ClinVar aggregate classification (germline): Uncertain significance (3 of 4 stars; one submission).

Conditions:
Overgrowth syndrome and/or cerebral malformations due to abnormalities in MTOR pathway genes. Identifiers: MedGen CN300503, MONDO:0100283.

Allele frequency attached by ClinVar (database versions not stated): gnomAD exomes below 0.00001.
gnomAD v4.1: 1 of 1,614,140 alleles (0.000062%); highest among the groups gnomAD compares: Non-Finnish European, 0.000085%; no homozygotes.

Submission:

ClinGen Brain Malformations Variant Curation Expert Panel
Classification: Uncertain significance for Overgrowth syndrome and/or cerebral malformations due to abnormalities in MTOR pathway genes. Last evaluated: 2025-07-01. Review status: reviewed by expert panel. Criteria: ClinGen BrainMalform ACMG Specifications V1.1.0. Collection method: curation. Allele origin: germline. Inheritance: Autosomal dominant inheritance.
Comment: The NM_004958.4:c.997C>T (p.Leu333=) variant in MTOR is a synonymous (silent) variant. In gnomAD v4.1.0, this variant has a minor allele frequency of 0.00008474% (1/1180028) in the European (non-Finnish) population and a filtering allele frequency is not provided (PM2_Supporting, BS1, and BA1 not met). The computational predictor SpliceAI gives a score of 0.02 and the computational predictors MaxEntScan and varSEAK indicated that the variant has no impact on splicing, evidence that does not predict a damaging effect on MTOR function (BP4). In summary, this variant meets the criteria to be classified as uncertain significance for overgrowth syndrome and/or cerebral malformations due to abnormalities in MTOR pathway genes based on the ACMG/AMP criteria applied, as specified by the ClinGen Brain Malformations Expert Panel: BP4 (ClinGen Brain Malformations VCEP Specifications Version 1.1).